The following is an entry in ClinVar:

NM_000091.5(COL4A3):c.2348G>A (p.Gly783Glu)

Genes: COL4A3 (collagen type IV alpha 3 chain; plus strand), MFF-DT (MFF divergent transcript; minus strand). Cytogenetic location: 2q36.3.
Variant type: single nucleotide variant.
Coding change: c.2348G>A on transcript NM_000091.5 (MANE Select); coding-DNA position 2348, G replaced by A.
Protein change: p.Gly783Glu; replaces glycine 783 with glutamic acid.
Molecular consequence: missense variant.
Genome position (GRCh38, 1-based): chr2:227,280,564, G>A. VCF-style: chr2-227280564-G-A. GRCh37 (hg19) VCF-style: chr2-228145280-G-A.
Other names: short protein forms G783E.
Identifiers: ClinVar variation 4817218 (VCV004817218.1).
Genomic context (GRCh38, chr2:227,280,564, plus strand): 5'-ATTCTGGGGAACATGGAGAAATTGGACTCCCTGGACTTCCAGGTCTCCCTGGAACTCCAG[G>A]AAATGAAGGGCTTGATGGACCACGAGGTACAATAGCAAGTGTCATTACTTTTCTCCACTG-3'
Protein context (NP_000082.2, residues 773-793): PGLPGLPGTP[Gly783Glu]NEGLDGPRGD

ClinVar aggregate classification (germline): Likely pathogenic (1 of 4 stars; one submission).

Conditions:
Alport syndrome. Also called: Hemorrhagic familial nephritis; Hemorrhagic hereditary nephritis; Congenital hereditary hematuria. Identifiers: Orphanet 63, MedGen C1567741, MONDO:0018965.

Submission:

Natera, Inc.
Classification: Likely pathogenic for Alport syndrome. Last evaluated: 2025-08-28. Review status: criteria provided, single submitter. Criteria: Natera Variant Classification Schema (03/2026). Collection method: clinical testing. Allele origin: germline.
Comment: The c.2348G>A variant in COL4A3 is a missense variant predicted to cause substitution of glycine to glutamic acid at amino acid 783. This variant is rare in the general population with a frequency below the threshold expected for the associated phenotype(s). This variant is located in a functionally critical region of the protein. Computational prediction algorithms indicate this variant is likely to affect gene or protein function. Given the available evidence, this variant is classified as Likely Pathogenic.